The following is an entry in ClinVar:

ClinVar aggregate classification (germline): Uncertain significance (1 of 4 stars; one submission).

Allele frequency attached by ClinVar (database versions not stated): gnomAD exomes below 0.00001.

Submission:

Labcorp Genetics (formerly Invitae), Labcorp
Classification: Uncertain significance. Last evaluated: 2021-11-19. Review status: criteria provided, single submitter. Criteria: Invitae Variant Classification Sherloc (09022015). Collection method: clinical testing. Allele origin: germline.
Comment: In summary, the available evidence is currently insufficient to determine the role of this variant in disease. Therefore, it has been classified as a Variant of Uncertain Significance. This variant has not been reported in the literature in individuals affected with ANXA11-related conditions. This variant is not present in population databases (gnomAD no frequency). This sequence change creates a premature translational stop signal (p.Pro10Glnfs*141) in the ANXA11 gene. It is expected to result in an absent or disrupted protein product. However, the current clinical and genetic evidence is not sufficient to establish whether loss-of-function variants in ANXA11 cause disease.

NM_145868.2(ANXA11):c.24del (p.Pro10fs)

Gene: ANXA11 (annexin A11; minus strand). Cytogenetic location: 10q22.3.
Variant type: Deletion.
Coding change: c.24del on transcript NM_145868.2 (MANE Select); coding-DNA position 24, one base deleted (G; older notation c.24delG).
Protein change: p.Pro10fs; shifts the reading frame from proline 10.
Molecular consequence: frameshift variant. On other transcripts: 5 prime UTR variant (1).
Genome position (GRCh38, 1-based): chr10:80,172,838, C deleted on the plus strand (G on the coding strand, the reverse complement: ANXA11 is on the minus strand). VCF-style (leftmost placement, unchanged base first): chr10-80172837-GC-G. GRCh37 (hg19) VCF-style: chr10-81932593-GC-G.
Other names: c.24del, p.Pro10fs (NM_001157.3, NM_001278407.2, NM_001278408.2 and 1 more transcripts); c.-345del (NM_001278409.2); short protein forms P10fs.
Identifiers: ClinVar variation 1469379 (VCV001469379.6), dbSNP rs2132426773, ClinGen allele CA2573145800.